The following is an entry in ClinVar:

NM_014714.4(IFT140):c.1663G>A (p.Ala555Thr)

Gene: IFT140 (intraflagellar transport 140; minus strand). Cytogenetic location: 16p13.3.
Variant type: single nucleotide variant.
Coding change: c.1663G>A on transcript NM_014714.4 (MANE Select); coding-DNA position 1663, G replaced by A.
Protein change: p.Ala555Thr; replaces alanine 555 with threonine.
Molecular consequence: missense variant.
Genome position (GRCh38, 1-based): chr16:1,568,324, C>T on the plus strand (G>A on the coding strand, the complement: IFT140 is on the minus strand). VCF-style: chr16-1568324-C-T. GRCh37 (hg19) VCF-style: chr16-1618325-C-T.
Other names: short protein forms A555T.
Identifiers: ClinVar variation 1381764 (VCV001381764.6), dbSNP rs1318199702, ClinGen allele CA394207657.

ClinVar aggregate classification (germline): Uncertain significance (1 of 4 stars; one submission).

Conditions:
Saldino-Mainzer syndrome (SRTD9). Also called: CONORENAL SYNDROME; Renal dysplasia, retinal pigmentary dystrophy, cerebellar ataxia and skeletal dysplasia; SHORT-RIB THORACIC DYSPLASIA 9 WITHOUT POLYDACTYLY; short-rib thoracic dysplasia 9 with or without polydactyly. Identifiers: Orphanet 140969, MedGen C1849437, MONDO:0009964, OMIM 266920.

Submission:

Labcorp Genetics (formerly Invitae), Labcorp
Classification: Uncertain significance for Saldino-Mainzer syndrome. Last evaluated: 2024-10-26. Review status: criteria provided, single submitter. Criteria: Invitae Variant Classification Sherloc (09022015). Collection method: clinical testing. Allele origin: germline.
Comment: This sequence change replaces alanine, which is neutral and non-polar, with threonine, which is neutral and polar, at codon 555 of the IFT140 protein (p.Ala555Thr). This variant is not present in population databases (gnomAD no frequency). This variant has not been reported in the literature in individuals affected with IFT140-related conditions. ClinVar contains an entry for this variant (Variation ID: 1381764). Invitae Evidence Modeling of protein sequence and biophysical properties (such as structural, functional, and spatial information, amino acid conservation, physicochemical variation, residue mobility, and thermodynamic stability) indicates that this missense variant is not expected to disrupt IFT140 protein function with a negative predictive value of 95%. In summary, the available evidence is currently insufficient to determine the role of this variant in disease. Therefore, it has been classified as a Variant of Uncertain Significance.